The following is an entry in ClinVar:

NM_001042492.3(NF1):c.3301C>T (p.Gln1101Ter)

Gene: NF1 (neurofibromin 1; plus strand). Cytogenetic location: 17q11.2.
Variant type: single nucleotide variant.
Coding change: c.3301C>T on transcript NM_001042492.3 (MANE Select); coding-DNA position 3301, C replaced by T.
Protein change: p.Gln1101Ter; replaces glutamine 1101 with a stop codon.
Molecular consequence: nonsense.
Genome position (GRCh38, 1-based): chr17:31,232,176, C>T. VCF-style: chr17-31232176-C-T. GRCh37 (hg19) VCF-style: chr17-29559194-C-T.
Other names: c.3301C>T, p.Gln1101Ter (NM_000267.4); short protein forms Q1101*.
Identifiers: ClinVar variation 1074271 (VCV001074271.9), dbSNP rs2151433888, ClinGen allele CA398988914.

ClinVar aggregate classification (germline): Pathogenic. Review status: criteria provided, multiple submitters, no conflicts (2 of 4 stars). 4 submissions from 4 submitters: Pathogenic (4). Last evaluated 2025-12-01.

Conditions:
Mosaic neurofibromatosis type 1. Identifiers: Orphanet 634461, MedGen C5782097, MONDO:0859763.
Hereditary cancer-predisposing syndrome. Also called: Neoplastic Syndromes, Hereditary; Hereditary neoplastic syndrome; Tumor predisposition; Hereditary Cancer Syndrome. Identifiers: Orphanet 140162, MedGen C0027672, MeSH D009386, MONDO:0015356.
Cardiovascular phenotype. Identifiers: MedGen CN230736.
Neurofibromatosis, type 1 (NF1). Also called: VON RECKLINGHAUSEN DISEASE; Peripheral type neurofibromatosis; NEUROFIBROMATOSIS, TYPE I, SOMATIC; Neurofibromatosis, type I. Identifiers: Orphanet 636, MedGen C0027831, MONDO:0018975, OMIM 162200. Disease mechanism: loss of function.

Submissions (4):

Institute of Medical Genetics and Applied Genomics, University Hospital Tübingen
Classification: Pathogenic for Mosaic neurofibromatosis type 1. Last evaluated: 2025-12-01. Review status: criteria provided, single submitter. Criteria: ACMG Guidelines, 2015. Collection method: clinical testing. Allele origin: germline. Inheritance: Autosomal dominant inheritance. Affected: yes.

Ambry Genetics
Classification: Pathogenic for Cardiovascular phenotype; Hereditary cancer-predisposing syndrome. Last evaluated: 2025-09-05. Review status: criteria provided, single submitter. Criteria: Ambry Variant Classification Scheme 2023. Collection method: clinical testing. Allele origin: germline.
Comment: The p.Q1101* pathogenic mutation (also known as c.3301C>T), located in coding exon 25 of the NF1 gene, results from a C to T substitution at nucleotide position 3301. This changes the amino acid from a glutamine to a stop codon within coding exon 25. This variant is considered to be rare based on population cohorts in the Genome Aggregation Database (gnomAD). This alteration is expected to result in loss of function by premature protein truncation or nonsense-mediated mRNA decay. As such, this alteration is interpreted as a disease-causing mutation.

Labcorp Genetics (formerly Invitae), Labcorp
Classification: Pathogenic for Neurofibromatosis, type 1. Last evaluated: 2024-04-04. Review status: criteria provided, single submitter. Criteria: Invitae Variant Classification Sherloc (09022015). Collection method: clinical testing. Allele origin: germline.
Comment: This sequence change creates a premature translational stop signal (p.Gln1101*) in the NF1 gene. It is expected to result in an absent or disrupted protein product. Loss-of-function variants in NF1 are known to be pathogenic (PMID: 10712197, 23913538). This variant is not present in population databases (gnomAD no frequency). This premature translational stop signal has been observed in individual(s) with neurofibromatosis type 1 (PMID: 30014477). ClinVar contains an entry for this variant (Variation ID: 1074271). Algorithms developed to predict the effect of sequence changes on RNA splicing suggest that this variant may disrupt the consensus splice site. For these reasons, this variant has been classified as Pathogenic.

Juno Genomics, Hangzhou Juno Genomics, Inc
Classification: Pathogenic for Neurofibromatosis, type 1. Review status: criteria provided, single submitter. Criteria: ACMG Guidelines, 2015. Collection method: clinical testing. Allele origin: germline. Affected: yes.
Comment: Null variant in a gene where loss of function (LOF) is a known mechanism of disease.;Absent from controls (or at extremely low frequency if recessive) in Genome Aggregation Database, Exome Sequencing Project, 1000 Genomes Project, or Exome Aggregation Consortium.;The prevalence of the variant in affected individuals is significantly increased compared to the prevalence in controls.;Assumed de novo, but without confirmation of paternity and maternity.

Literature cited by the submitters: PubMed 23656349 (cited by Ambry Genetics); PubMed 30014477 (cited by Ambry Genetics and Labcorp Genetics (formerly Invitae), Labcorp); PubMed 10712197 (cited by Labcorp Genetics (formerly Invitae), Labcorp); PubMed 23913538 (cited by Labcorp Genetics (formerly Invitae), Labcorp).